The following is an entry in ClinVar:

NM_000038.6(APC):c.407A>C (p.Glu136Ala)

Gene: APC (APC regulator of Wnt signaling pathway; plus strand). Cytogenetic location: 5q22.2.
Variant type: single nucleotide variant.
Coding change: c.407A>C on transcript NM_000038.6 (MANE Select); coding-DNA position 407, A replaced by C.
Protein change: p.Glu136Ala; replaces glutamic acid 136 with alanine.
Molecular consequence: missense variant. On other transcripts: 5 prime UTR variant (4), non-coding transcript variant (2).
Genome position (GRCh38, 1-based): chr5:112,767,375, A>C. VCF-style: chr5-112767375-A-C. GRCh37 (hg19) VCF-style: chr5-112103072-A-C.
Other names: c.407A>C, p.Glu136Ala (NM_001127510.3, NM_001354895.2, NM_001354896.2 and 16 more transcripts); c.437A>C, p.Glu146Ala (NM_001127511.3, NM_001354897.2, NM_001354902.2 and 1 more transcripts); c.332A>C, p.Glu111Ala (NM_001354898.2, NM_001354904.2, NM_001407451.1); c.230A>C, p.Glu77Ala (NM_001354900.2, NM_001354901.2, NM_001354905.2 and 1 more transcripts); c.-629A>C (NM_001354906.2, NM_001407470.1, NM_001407471.1 and 1 more transcripts); short protein forms E146A, E136A, E77A, E111A.
Identifiers: ClinVar variation 3411931 (VCV003411931.1).

ClinVar aggregate classification (germline): Uncertain significance (1 of 4 stars; one submission).

Conditions:
Hereditary cancer-predisposing syndrome. Also called: Neoplastic Syndromes, Hereditary; Tumor predisposition; Hereditary Cancer Syndrome; Hereditary neoplastic syndrome. Identifiers: Orphanet 140162, MedGen C0027672, MeSH D009386, MONDO:0015356.

Submission:

Ambry Genetics
Classification: Uncertain significance for Hereditary cancer-predisposing syndrome. Last evaluated: 2024-11-09. Review status: criteria provided, single submitter. Criteria: Ambry Variant Classification Scheme 2023. Collection method: clinical testing. Allele origin: germline.
Comment: The p.E136A variant (also known as c.407A>C), located in coding exon 3 of the APC gene, results from an A to C substitution at nucleotide position 407. The glutamic acid at codon 136 is replaced by alanine, an amino acid with dissimilar properties. This amino acid position is highly conserved in available vertebrate species. In addition, in silico predictors for this gene do not accurately predict pathogenicity. Missense alterations in APC are not a common cause of disease (Spier I et al. Genet Med. 2024 Feb;26(2):100992). Based on the available evidence, the clinical significance of this variant remains unclear.